The following is an entry in ClinVar:

NM_015627.3(LDLRAP1):c.*430G>T

Gene: LDLRAP1 (low density lipoprotein receptor adaptor protein 1; plus strand). Cytogenetic location: 1p36.11.
Variant type: single nucleotide variant.
Coding change: c.*430G>T on transcript NM_015627.3 (MANE Select); 430 bases downstream of the stop codon, G replaced by T.
Molecular consequence: 3 prime UTR variant.
Genome position (GRCh38, 1-based): chr1:25,567,422, G>T. VCF-style: chr1-25567422-G-T. GRCh37 (hg19) VCF-style: chr1-25893913-G-T.
Identifiers: ClinVar variation 875212 (VCV000875212.7), dbSNP rs186747548, ClinGen allele CA19650204.

ClinVar aggregate classification (germline): Uncertain significance. Review status: criteria provided, multiple submitters, no conflicts (2 of 4 stars). 4 submissions from 4 submitters: Uncertain significance (4). Last evaluated 2025-08-12.

Conditions:
Familial hypercholesterolemia. Also called: Familial hypercholesterolemias; Familial hypercholesterolaemia. Identifiers: MedGen C0020445, MONDO:0005439.
Hypercholesterolemia, familial, 4 (FHCL4). Also called: HYPERCHOLESTEROLEMIA, AUTOSOMAL RECESSIVE, 1; HYPERCHOLESTEROLEMIA, AUTOSOMAL RECESSIVE, 2. Identifiers: Orphanet 391665, MedGen C1863512, MONDO:0011374, OMIM 603813.

Allele frequency attached by ClinVar (database versions not stated): TOPMed 0.00055; 1000 Genomes Project 30x 0.00062; 1000 Genomes Project 0.00080; gnomAD 0.00128 and 0.00135; gnomAD exomes 0.00135.
gnomAD v4.1: 402 of 299,702 alleles (0.13%); highest among the groups gnomAD compares: Non-Finnish European, 0.17%; 1 homozygote.

Submissions (4):

Cambridge Genomics Laboratory, East Genomic Laboratory Hub, NHS Genomic Medicine Service
Classification: Uncertain significance for Familial hypercholesterolaemia. Last evaluated: 2025-08-12. Review status: criteria provided, single submitter. Criteria: ACGS Best Practice Guidelines for Variant Classification in Rare Disease 2020. Collection method: clinical testing. Allele origin: germline. Affected: yes.
Comment: BS1_Strong

Genome-Nilou Lab
Classification: Uncertain significance for Hypercholesterolemia, familial, 4. Last evaluated: 2023-04-11. Review status: criteria provided, single submitter. Criteria: ACMG Guidelines, 2015. Collection method: clinical testing. Allele origin: germline. Affected: no.

Fulgent Genetics
Classification: Uncertain significance for Hypercholesterolemia, familial, 4. Last evaluated: 2021-09-30. Review status: criteria provided, single submitter. Criteria: ACMG Guidelines, 2015. Collection method: clinical testing. Allele origin: unknown.

Illumina Laboratory Services, Illumina
Classification: Uncertain significance for Hypercholesterolemia, familial, 4. Last evaluated: 2018-01-13. Review status: criteria provided, single submitter. Criteria: ICSL Variant Classification Criteria 13 December 2019. Collection method: clinical testing. Allele origin: germline.